The following is an entry in ClinVar:

NM_001148.6(ANK2):c.11683G>A (p.Val3895Met)

Gene: ANK2 (ankyrin 2; plus strand). Cytogenetic location: 4q26.
Variant type: single nucleotide variant.
Coding change: c.11683G>A on transcript NM_001148.6 (MANE Select); coding-DNA position 11683, G replaced by A.
Protein change: p.Val3895Met; replaces valine 3895 with methionine.
Molecular consequence: missense variant. On other transcripts: intron variant (1).
Genome position (GRCh38, 1-based): chr4:113,373,162, G>A. VCF-style: chr4-113373162-G-A. GRCh37 (hg19) VCF-style: chr4-114294318-G-A.
Other names: p.V3895M:GTG>ATG; c.5401G>A, p.Val1801Met (NM_001127493.3); c.5440G>A, p.Val1814Met (NM_001354225.2); c.5422G>A, p.Val1808Met (NM_001354228.2); c.5407G>A, p.Val1803Met (NM_001354230.2); c.5563G>A, p.Val1855Met (NM_001354231.2); c.5557G>A, p.Val1853Met (NM_001354232.2); c.5518G>A, p.Val1840Met (NM_001354235.2); and 46 more; short protein forms V1801M, V3895M, V1710M, V1744M, V1789M, V1800M, V1808M, V1814M.
Identifiers: ClinVar variation 67603 (VCV000067603.19), dbSNP rs72556370, ClinGen allele CA145035.

ClinVar aggregate classification (germline): Likely benign. Review status: criteria provided, multiple submitters, no conflicts (2 of 4 stars). 8 submissions from 8 submitters: Likely benign (6). 2 of the submissions do not count toward it. Last evaluated 2025-10-27.

Conditions:
ANK2-related disorder. Also called: ANK2-related condition.
Cardiac arrhythmia, ankyrin-B-related. Also called: ANKYRIN-B SYNDROME. Identifiers: Orphanet 101016, Orphanet 768, MedGen C1970119, MONDO:0010958, OMIM 600919.
Long QT syndrome (LQTS). Identifiers: MedGen C0023976, MeSH D008133, MONDO:0002442. Disease mechanism: loss of function. Inheritance: Various modes of inheritance.
Cardiovascular phenotype. Identifiers: MedGen CN230736.
Cardiac arrhythmia. Also called: Arrhythmia; Cardiac rhythm disease. Identifiers: MedGen C0003811, MONDO:0007263, HP:0011675.

Allele frequency attached by ClinVar (database versions not stated): gnomAD 0.00007 and 0.00009; TOPMed 0.00017; 1000 Genomes Project 30x 0.00031; ExAC 0.00034; gnomAD exomes 0.00039; 1000 Genomes Project 0.00040.
gnomAD v4.1: 101 of 1,614,000 alleles (0.0063%); highest among the groups gnomAD compares: East Asian, 0.15%; no homozygotes.

Submissions (8):

Labcorp Genetics (formerly Invitae), Labcorp
Classification: Likely benign for Long QT syndrome. Last evaluated: 2025-10-27. Review status: criteria provided, single submitter. Criteria: Invitae Variant Classification Sherloc (09022015). Collection method: clinical testing. Allele origin: germline.

Blueprint Genetics
Classification: Likely benign. Last evaluated: 2023-07-13. Review status: criteria provided, single submitter. Criteria: ACMG Guidelines, 2015. Collection method: clinical testing. Allele origin: germline.

GeneDx
Classification: Likely benign. Last evaluated: 2020-01-07. Review status: criteria provided, single submitter. Criteria: GeneDx Variant Classification Process June 2021. Collection method: clinical testing. Allele origin: germline. Affected: yes.
Comment: This variant is associated with the following publications: (PMID: 17242276)

Mendelics
Classification: Likely benign for Cardiac arrhythmia, ankyrin-B-related. Last evaluated: 2019-05-28. Review status: criteria provided, single submitter. Criteria: Mendelics Assertion Criteria 2017. Collection method: clinical testing. Allele origin: unknown.

Ambry Genetics
Classification: Likely benign for Cardiovascular phenotype. Last evaluated: 2018-11-13. Review status: criteria provided, single submitter. Criteria: Ambry Variant Classification Scheme 2023. Collection method: clinical testing. Allele origin: germline.

Breakthrough Genomics
Classification: Likely benign. Review status: criteria provided, single submitter. Criteria: ACMG Guidelines, 2015. Collection method: not provided. Allele origin: germline. Inheritance: Autosomal dominant inheritance. Affected: yes.

PreventionGenetics, part of Exact Sciences
Classification: Likely benign for ANK2-related condition. Last evaluated: 2021-02-03. Review status: no assertion criteria provided. Collection method: clinical testing. Allele origin: germline. Not counted in ClinVar's aggregate classification.
Comment: This variant is classified as likely benign based on ACMG/AMP sequence variant interpretation guidelines (Richards et al. 2015 PMID: 25741868, with internal and published modifications).

Cardiovascular Biomedical Research Unit, Royal Brompton & Harefield NHS Foundation Trust
No classification provided. Condition: Cardiac arrhythmia. Review status: no classification provided. Collection method: literature only. Allele origin: germline. Not counted in ClinVar's aggregate classification.
Comment: This variant has been reported as associated with Cardiac arrhythmia in the following publications (PMID:17242276). This is a literature report, and does not necessarily reflect the clinical interpretation of the Imperial College / Royal Brompton Cardiovascular Genetics laboratory.

Literature cited by the submitters: PubMed 17242276 (cited by Ambry Genetics and Cardiovascular Biomedical Research Unit, Royal Brompton & Harefield NHS Foundation Trust); PubMed 22581653 (cited by Cardiovascular Biomedical Research Unit, Royal Brompton & Harefield NHS Foundation Trust).